The following is an entry in ClinVar:

ClinVar aggregate classification (germline): Uncertain significance (1 of 4 stars; one submission).

Submission:

Labcorp Genetics (formerly Invitae), Labcorp
Classification: Uncertain significance. Last evaluated: 2024-12-03. Review status: criteria provided, single submitter. Criteria: Invitae Variant Classification Sherloc (09022015). Collection method: clinical testing. Allele origin: germline.
Comment: This sequence change replaces glutamine, which is neutral and polar, with arginine, which is basic and polar, at codon 75 of the NDUFB9 protein (p.Gln75Arg). This variant is not present in population databases (gnomAD no frequency). This variant has not been reported in the literature in individuals affected with NDUFB9-related conditions. An algorithm developed to predict the effect of missense changes on protein structure and function (PolyPhen-2) suggests that this variant is likely to be tolerated. In summary, the available evidence is currently insufficient to determine the role of this variant in disease. Therefore, it has been classified as a Variant of Uncertain Significance.

NM_005005.3(NDUFB9):c.224A>G (p.Gln75Arg)

Gene: NDUFB9 (NADH:ubiquinone oxidoreductase subunit B9; plus strand). Cytogenetic location: 8q24.13.
Variant type: single nucleotide variant.
Coding change: c.224A>G on transcript NM_005005.3 (MANE Select); coding-DNA position 224, A replaced by G.
Protein change: p.Gln75Arg; replaces glutamine 75 with arginine.
Molecular consequence: missense variant.
Genome position (GRCh38, 1-based): chr8:124,543,209, A>G. VCF-style: chr8-124543209-A-G. GRCh37 (hg19) VCF-style: chr8-125555450-A-G.
Other names: c.56A>G, p.Gln19Arg (NM_001278645.2); c.95A>G, p.Gln32Arg (NM_001278646.2); c.191A>G, p.Gln64Arg (NM_001311168.2); short protein forms Q19R, Q32R, Q75R, Q64R.
Identifiers: ClinVar variation 3641493 (VCV003641493.2).